The following is an entry in ClinVar:

NM_000448.3(RAG1):c.37T>G (p.Ser13Ala)

Gene: RAG1 (recombination activating 1; plus strand). Cytogenetic location: 11p12.
Variant type: single nucleotide variant.
Coding change: c.37T>G on transcript NM_000448.3 (MANE Select); coding-DNA position 37, T replaced by G.
Protein change: p.Ser13Ala; replaces serine 13 with alanine.
Molecular consequence: missense variant.
Genome position (GRCh38, 1-based): chr11:36,573,341, T>G. VCF-style: chr11-36573341-T-G. GRCh37 (hg19) VCF-style: chr11-36594891-T-G.
Other names: NM_000448.3(RAG1):c.37T>G; p.Ser13Ala; c.37T>G, p.Ser13Ala (NM_001377277.1, NM_001377278.1, NM_001377279.1 and 1 more transcripts); short protein forms S13A.
Identifiers: ClinVar variation 304492 (VCV000304492.16), dbSNP rs760746448, ClinGen allele CA5949891.

ClinVar aggregate classification (germline): Uncertain significance. Review status: reviewed by expert panel (3 of 4 stars). 5 submissions from 4 submitters: Uncertain significance (1). 4 of the submissions do not count toward it. Last evaluated 2024-01-24.

Conditions:
Recombinase activating gene 1 deficiency. Identifiers: MedGen CN375631, MONDO:0000572.
Histiocytic medullary reticulosis. Also called: SEVERE COMBINED IMMUNODEFICIENCY WITH HYPEREOSINOPHILIA; Omenn syndrome. Identifiers: Orphanet 39041, MedGen C2700553, MONDO:0011338, OMIM 603554.
Severe combined immunodeficiency, autosomal recessive, T cell-negative, B cell-negative, NK cell-positive. Also called: SCID, T CELL-NEGATIVE, B CELL-NEGATIVE, NK CELL-POSITIVE; SCID, AR, T-cell negative, B-cell negative, NK cell-positive; Severe combined immunodeficiency due to complete RAG1/2 deficiency. Identifiers: Orphanet 331206, MedGen C1832322, MONDO:0011086, OMIM 601457.
Combined immunodeficiency with skin granulomas. Identifiers: Orphanet 157949, MedGen C2673536, MONDO:0009306, OMIM 233650.

Allele frequency attached by ClinVar (database versions not stated): gnomAD exomes 0.00003 and 0.00014; TOPMed 0.00011; ExAC 0.00012; gnomAD 0.00003.
gnomAD v4.1: 52 of 1,614,086 alleles (0.0032%); highest among the groups gnomAD compares: Admixed American, 0.073%; no homozygotes.

Submissions (5):

ClinGen Severe Combined Immunodeficiency Variant Curation Expert Panel, ClinGen
Classification: Uncertain significance for Recombinase activating gene 1 deficiency. Last evaluated: 2024-01-24. Review status: reviewed by expert panel. Criteria: ClinGen SCID ACMG Specifications RAG1 V1.0.0. Collection method: curation. Allele origin: germline. Inheritance: Autosomal recessive inheritance.
Comment: NM_000448.3(RAG1):c.37T>G is a missense variant predicted to cause substitution of Serine by Alanine at amino acid 13 (p.Ser13Ala). The highest population minor allele frequency in gnomAD v4 is 0.0007334 (44/59996) in Admixed American population (PM2_Supporting, BS1, and BA1 are not met).There are no publications for this variant in the literature. In summary, this variant meets the criteria to be classified as a variant of uncertain significance for autosomal recessive severe combined immunodeficiency due to RAG1 deficiency based on the ACMG/AMP criteria applied, as specified by the ClinGen SCID VCEP: No criteria met (VCEP specifications version 1).

Labcorp Genetics (formerly Invitae), Labcorp
Classification: Likely benign for Combined immunodeficiency with skin granulomas; Severe combined immunodeficiency, autosomal recessive, T cell-negative, B cell-negative, NK cell-positive. Last evaluated: 2025-08-26. Review status: criteria provided, single submitter. Criteria: Invitae Variant Classification Sherloc (09022015). Collection method: clinical testing. Allele origin: germline. Not counted in ClinVar's aggregate classification.

ARUP Laboratories, Molecular Genetics and Genomics, ARUP Laboratories
Classification: Uncertain significance. Last evaluated: 2024-12-25. Review status: criteria provided, single submitter. Criteria: ARUP Molecular Germline Variant Investigation Process 2024. Collection method: clinical testing. Allele origin: germline. Not counted in ClinVar's aggregate classification.
Comment: The RAG1 c.37T>G; p.Ser13Ala variant (rs760746448), to our knowledge, is not reported in the medical literature but is reported in ClinVar (Variation ID: 304492). This variant is found in the Admixed American population with an allele frequency of 0.09% (32/34,588 alleles) in the Genome Aggregation Database (v2.1.1). Computational analyses predict that this variant is neutral (REVEL: 0.074). However, given the lack of clinical and functional data, the significance of this variant is uncertain at this time.

Illumina Laboratory Services, Illumina
Classification: Uncertain significance for Histiocytic medullary reticulosis. Last evaluated: 2018-01-12. Review status: criteria provided, single submitter. Criteria: ICSL Variant Classification Criteria 13 December 2019. Collection method: clinical testing. Allele origin: germline. Not counted in ClinVar's aggregate classification.

Illumina Laboratory Services, Illumina
Classification: Uncertain significance for Severe combined immunodeficiency, autosomal recessive, T cell-negative, B cell-negative, NK cell-positive. Last evaluated: 2018-01-12. Review status: criteria provided, single submitter. Criteria: ICSL Variant Classification Criteria 13 December 2019. Collection method: clinical testing. Allele origin: germline. Not counted in ClinVar's aggregate classification.